The following is an entry in ClinVar:

NM_053274.3(GLMN):c.977+7T>A

Gene: GLMN (glomulin, FKBP associated protein; minus strand). Cytogenetic location: 1p22.1.
Variant type: single nucleotide variant.
Coding change: c.977+7T>A on transcript NM_053274.3 (MANE Select); 7 bases into the intron after coding-DNA position 977, T replaced by A.
Molecular consequence: intron variant.
Genome position (GRCh38, 1-based): chr1:92,269,716, A>T on the plus strand (T>A on the coding strand, the complement: GLMN is on the minus strand). VCF-style: chr1-92269716-A-T. GRCh37 (hg19) VCF-style: chr1-92735273-A-T.
Other names: p.?; c.977+7T>A (NM_001319683.2).
Identifiers: ClinVar variation 298137 (VCV000298137.14), dbSNP rs61758979, ClinGen allele CA950437.

ClinVar aggregate classification (germline): Benign. Review status: criteria provided, multiple submitters, no conflicts (2 of 4 stars). 7 submissions from 7 submitters: Benign (4). 3 of the submissions do not count toward it. Last evaluated 2023-09-21.

Conditions:
Glomuvenous malformation. Also called: GLOMANGIOMAS, MULTIPLE; GLOMUS TUMORS, MULTIPLE; VENOUS MALFORMATIONS WITH GLOMUS CELLS; Familial glomangioma. Identifiers: Orphanet 83454, MedGen C1841984, MONDO:0007672, OMIM 138000.
GLMN-related disorder. Also called: GLMN-related condition.

Allele frequency attached by ClinVar (database versions not stated): gnomAD exomes 0.00182 and 0.00409; ExAC 0.00481; gnomAD 0.01486 and 0.01597; ESP Exome Variant Server 0.01592; TOPMed 0.01657; 1000 Genomes Project 0.01677; 1000 Genomes Project 30x 0.01780.
gnomAD v4.1: 4,994 of 1,594,636 alleles (0.31%); highest among the groups gnomAD compares: African/African-American, 4.9%; 116 homozygotes.

Submissions (7):

ARUP Laboratories, Molecular Genetics and Genomics, ARUP Laboratories
Classification: Benign for Glomuvenous malformation. Last evaluated: 2023-09-21. Review status: criteria provided, single submitter. Criteria: ARUP Molecular Germline Variant Investigation Process 2024. Collection method: clinical testing. Allele origin: germline.

Mayo Clinic Laboratories, Mayo Clinic
Classification: Benign. Last evaluated: 2023-06-30. Review status: criteria provided, single submitter. Criteria: ACMG Guidelines, 2015. Collection method: clinical testing. Allele origin: germline. Observed: 12 variant alleles.
Comment: BA1, BP4, BP7

Labcorp Genetics (formerly Invitae), Labcorp
Classification: Benign. Last evaluated: 2018-04-30. Review status: criteria provided, single submitter. Criteria: Invitae Variant Classification Sherloc (09022015). Collection method: clinical testing. Allele origin: germline.

Illumina Laboratory Services, Illumina
Classification: Benign for Glomuvenous malformation. Last evaluated: 2018-01-13. Review status: criteria provided, single submitter. Criteria: ICSL Variant Classification Criteria 13 December 2019. Collection method: clinical testing. Allele origin: germline.
Comment: This variant was observed in the ICSL laboratory as part of a predisposition screen in an ostensibly healthy population. It had not been previously curated by ICSL or reported in the Human Gene Mutation Database (HGMD: prior to June 1st, 2018), and was therefore a candidate for classification through an automated scoring system. Utilizing variant allele frequency, disease prevalence and penetrance estimates, and inheritance mode, an automated score was calculated to assess if this variant is too frequent to cause the disease. Based on the score and internal cut-off values, a variant classified as benign is not then subjected to further curation. The score for this variant resulted in a classification of benign for this disease.

PreventionGenetics, part of Exact Sciences
Classification: Benign for GLMN-related condition. Last evaluated: 2024-08-27. Review status: no assertion criteria provided. Collection method: clinical testing. Allele origin: germline. Not counted in ClinVar's aggregate classification.
Comment: This variant is classified as benign based on ACMG/AMP sequence variant interpretation guidelines (Richards et al. 2015 PMID: 25741868, with internal and published modifications).

Clinical Genetics, Academic Medical Center
Classification: Likely benign. Review status: no assertion criteria provided. Collection method: clinical testing. Allele origin: germline. Affected: yes. Study: VKGL Data-share Consensus. Not counted in ClinVar's aggregate classification.

Laboratory of Diagnostic Genome Analysis, Leiden University Medical Center (LUMC)
Classification: Likely benign. Review status: no assertion criteria provided. Collection method: clinical testing. Allele origin: germline. Affected: yes. Study: VKGL Data-share Consensus. Not counted in ClinVar's aggregate classification.